The following is an entry in ClinVar:

NM_015202.5(KATNIP):c.3080A>T (p.Asp1027Val)

Gene: KATNIP (katanin interacting protein; plus strand). Cytogenetic location: 16p12.1.
Variant type: single nucleotide variant.
Coding change: c.3080A>T on transcript NM_015202.5 (MANE Select); coding-DNA position 3080, A replaced by T.
Protein change: p.Asp1027Val; replaces aspartic acid 1027 with valine.
Molecular consequence: missense variant.
Genome position (GRCh38, 1-based): chr16:27,750,040, A>T. VCF-style: chr16-27750040-A-T. GRCh37 (hg19) VCF-style: chr16-27761361-A-T.
Other names: p.Asp1027Val; short protein forms D1027V.
Identifiers: ClinVar variation 4542020 (VCV004542020.1).
Genomic context (GRCh38, chr16:27,750,040, plus strand): 5'-AGATTTCAAACATAAAAGCAGACCCTCCCGATATCAATATTTTACCAGCCTATGGGAAAG[A>T]CCCCCGCGTGGTCACCAACCTCATCGACGGGGTGAACAGGACCCAGGATGACATGCATGT-3'
Protein context (NP_056017.4, residues 1017-1037): DINILPAYGK[Asp1027Val]PRVVTNLIDG

ClinVar aggregate classification (germline): Uncertain significance (1 of 4 stars; one submission).

Submission:

Mayo Clinic Laboratories, Mayo Clinic
Classification: Uncertain significance. Last evaluated: 2025-02-26. Review status: criteria provided, single submitter. Criteria: ACMG Guidelines, 2015. Collection method: clinical testing. Allele origin: germline. Observed: 1 variant allele.
Comment: PM2_supporting